The following is an entry in ClinVar:

ClinVar aggregate classification (germline): Uncertain significance (1 of 4 stars; one submission).

gnomAD v4.1: 2 of 1,614,202 alleles (0.00012%); highest among the groups gnomAD compares: East Asian, 0.0022%; no homozygotes.

Submission:

Greenwood Genetic Center Diagnostic Laboratories, Greenwood Genetic Center
Classification: Uncertain significance. Last evaluated: 2024-07-03. Review status: criteria provided, single submitter. Criteria: ACMG Guidelines, 2015. Collection method: clinical testing. Allele origin: germline. Affected: yes.
Comment: PM2, BP4

NM_001040616.3(LINS1):c.1223T>C (p.Val408Ala)

Gene: LINS1 (lines homolog 1; minus strand). Cytogenetic location: 15q26.3.
Variant type: single nucleotide variant.
Coding change: c.1223T>C on transcript NM_001040616.3 (MANE Select); coding-DNA position 1223, T replaced by C.
Protein change: p.Val408Ala; replaces valine 408 with alanine.
Molecular consequence: missense variant. On other transcripts: non-coding transcript variant (1), intron variant (1).
Genome position (GRCh38, 1-based): chr15:100,572,065, A>G on the plus strand (T>C on the coding strand, the complement: LINS1 is on the minus strand). VCF-style: chr15-100572065-A-G. GRCh37 (hg19) VCF-style: chr15-101112270-A-G.
Other names: c.476T>C, p.Val159Ala (NM_001352507.2); c.1178-108T>C (NM_001352508.2); short protein forms V159A, V408A.
Identifiers: ClinVar variation 3765570 (VCV003765570.1).